The following is an entry in ClinVar:

NM_000179.3(MSH6):c.2550C>T (p.Tyr850=)

Gene: MSH6 (mutS homolog 6; plus strand). Cytogenetic location: 2p16.3.
Variant type: single nucleotide variant.
Coding change: c.2550C>T on transcript NM_000179.3 (MANE Select); coding-DNA position 2550, C replaced by T.
Protein change: p.Tyr850=; no amino-acid change (tyrosine 850 retained).
Molecular consequence: synonymous variant.
Genome position (GRCh38, 1-based): chr2:47,800,533, C>T. VCF-style: chr2-47800533-C-T. GRCh37 (hg19) VCF-style: chr2-48027672-C-T.
Other names: c.2160C>T, p.Tyr720= (NM_001281492.2); c.1644C>T, p.Tyr548= (NM_001281493.2, NM_001281494.2).
Identifiers: ClinVar variation 390613 (VCV000390613.24), dbSNP rs374230313, ClinGen allele CA069168.

ClinVar aggregate classification (germline): Benign/Likely benign. Review status: criteria provided, multiple submitters, no conflicts (2 of 4 stars). 7 submissions from 7 submitters: Benign (1); Likely benign (6). Last evaluated 2025-10-07.

Conditions:
Hereditary nonpolyposis colorectal neoplasms. Identifiers: MedGen C0009405, MeSH D003123.
Lynch syndrome. Identifiers: Orphanet 144, MedGen C4552100, MONDO:0005835. Disease mechanism: loss of function.
Lynch syndrome 5 (LYNCH5). Also called: Hereditary non-polyposis colorectal cancer, type 5; Colorectal cancer, hereditary nonpolyposis, type 5. Identifiers: Orphanet 144, MedGen C1833477, MONDO:0013710, OMIM 614350. Disease mechanism: loss of function.
Hereditary cancer-predisposing syndrome. Also called: Hereditary Cancer Syndrome; Hereditary neoplastic syndrome; Neoplastic Syndromes, Hereditary; Tumor predisposition. Identifiers: Orphanet 140162, MedGen C0027672, MeSH D009386, MONDO:0015356.

Allele frequency attached by ClinVar (database versions not stated): gnomAD 0.00001; gnomAD exomes 0.00001; ExAC 0.00002; ESP Exome Variant Server 0.00008.
gnomAD v4.1: 5 of 1,613,276 alleles (0.00031%); highest among the groups gnomAD compares: African/African-American, 0.0013%; no homozygotes.

Submissions (7):

Labcorp Genetics (formerly Invitae), Labcorp
Classification: Likely benign for Hereditary nonpolyposis colorectal neoplasms. Last evaluated: 2025-10-07. Review status: criteria provided, single submitter. Criteria: Invitae Variant Classification Sherloc (09022015). Collection method: clinical testing. Allele origin: germline.

Center for Genomic Medicine, Rigshospitalet, Copenhagen University Hospital
Classification: Likely benign. Last evaluated: 2025-03-04. Review status: criteria provided, single submitter. Criteria: ACMG Guidelines, 2015. Collection method: clinical testing. Allele origin: germline.

Myriad Genetics, Inc.
Classification: Benign for Lynch syndrome 5. Last evaluated: 2024-12-31. Review status: criteria provided, single submitter. Criteria: Myriad Autosomal Dominant, Autosomal Recessive and X-Linked Classification Criteria (2023). Collection method: clinical testing. Allele origin: unknown.
Comment: This variant is considered benign. This variant is a silent/synonymous amino acid change and it is not expected to impact splicing.

All of Us Research Program, National Institutes of Health
Classification: Likely benign for Lynch syndrome. Last evaluated: 2023-05-16. Review status: criteria provided, single submitter. Criteria: ACMG Guidelines, 2015. Collection method: clinical testing. Allele origin: germline. Inheritance: Autosomal dominant inheritance. Observed: 1 variant allele, 1 heterozygote.
Comment: This study involves interpretation of variants in research participants for the purpose of population health screening. Participant phenotype was not available at the time of variant classification. Additional details can be found in publication PMID: 35346344, PMCID: PMC8962531

GeneDx
Classification: Likely benign. Last evaluated: 2019-08-28. Review status: criteria provided, single submitter. Criteria: GeneDx Variant Classification Process June 2021. Collection method: clinical testing. Allele origin: germline. Affected: yes.

Ambry Genetics
Classification: Likely benign for Hereditary cancer-predisposing syndrome. Last evaluated: 2019-04-24. Review status: criteria provided, single submitter. Criteria: Ambry Variant Classification Scheme 2023. Collection method: clinical testing. Allele origin: germline.

Color Diagnostics, LLC DBA Color Health
Classification: Likely benign for Hereditary cancer-predisposing syndrome. Last evaluated: 2016-09-12. Review status: criteria provided, single submitter. Criteria: ACMG Guidelines, 2015. Collection method: clinical testing. Allele origin: germline.